The following is an entry in ClinVar:

ClinVar aggregate classification (germline): Likely pathogenic (1 of 4 stars; one submission).

Conditions:
Deficiency of galactokinase. Also called: Galactokinase deficiency with cataracts; GALACTOSEMIA II. Identifiers: Orphanet 352, Orphanet 79237, MedGen C0268155, MONDO:0009255, OMIM 230200.

Submission:

Natera, Inc.
Classification: Likely pathogenic for Deficiency of galactokinase. Last evaluated: 2024-05-02. Review status: criteria provided, single submitter. Criteria: Natera Variant Classification Schema (03/2026). Collection method: clinical testing. Allele origin: germline.
Comment: The c.528_529delCTinsG variant in GALK1 is a frameshift variant predicted to shift the reading frame beginning at codon 176 and leads to a stop codon 88 codons downstream. This variant is expected to result in nonsense mediated decay, truncation, or a dysfunctional protein product. This variant is rare in the general population with a frequency below the threshold expected for the associated phenotype(s). Given the available evidence, this variant is classified as Likely Pathogenic.

NM_000154.2(GALK1):c.528_529delinsG (p.Ser176fs)

Gene: GALK1 (galactokinase 1; minus strand). Cytogenetic location: 17q25.1.
Variant type: Indel.
Coding change: c.528_529delinsG on transcript NM_000154.2 (MANE Select); coding-DNA positions 528 to 529, CT replaced by G.
Protein change: p.Ser176fs; shifts the reading frame from serine 176.
Molecular consequence: frameshift variant.
Genome position (GRCh38, 1-based): chr17:75,763,096-75,763,097, AG replaced by C on the plus strand (CT replaced by G on the coding strand, the reverse complement: GALK1 is on the minus strand). VCF-style: chr17-75763096-AG-C. GRCh37 (hg19) VCF-style: chr17-73759177-AG-C.
Other names: c.528_529delinsG, p.Ser176fs (NM_001381985.1); short protein forms S176fs.
Identifiers: ClinVar variation 4817612 (VCV004817612.1).
Genomic context (GRCh38, chr17:75,763,096, plus strand): 5'-GGCCTTTCTGTCCCATAAGTGAGATGAACTGGTCCATGATGCCACAGGGCATCCCTGCGA[AG>C]CTGTGCTCGGCCTGCTGACACACCTGGGCGCGGGCAGCTATTGTGCCCGAGTCTGCAGTA-3'